The following is an entry in ClinVar:

ClinVar aggregate classification (germline): Likely benign. Review status: criteria provided, multiple submitters, no conflicts (2 of 4 stars). 3 submissions from 3 submitters: Likely benign (3). Last evaluated 2024-10-12.

Conditions:
Hereditary cancer-predisposing syndrome. Also called: Hereditary neoplastic syndrome; Tumor predisposition; Neoplastic Syndromes, Hereditary; Hereditary Cancer Syndrome. Identifiers: Orphanet 140162, MedGen C0027672, MeSH D009386, MONDO:0015356.
Retinoblastoma (RB1). Also called: RETINOBLASTOMA, SOMATIC. Identifiers: Orphanet 790, MedGen C0035335, MeSH D012175, MONDO:0008380, OMIM 180200, HP:0009919. Disease mechanism: loss of function. Inheritance: Both sporadic and heritable forms are tested..

Submissions (3):

Ambry Genetics
Classification: Likely benign for Hereditary cancer-predisposing syndrome. Last evaluated: 2024-10-12. Review status: criteria provided, single submitter. Criteria: Ambry Variant Classification Scheme 2023. Collection method: clinical testing. Allele origin: germline.

Labcorp Genetics (formerly Invitae), Labcorp
Classification: Likely benign for Retinoblastoma. Last evaluated: 2022-09-22. Review status: criteria provided, single submitter. Criteria: Invitae Variant Classification Sherloc (09022015). Collection method: clinical testing. Allele origin: germline.

CeGaT Center for Human Genetics Tuebingen
Classification: Likely benign. Last evaluated: 2022-08-01. Review status: criteria provided, single submitter. Criteria: CeGaT Center For Human Genetics Tuebingen Variant Classification Criteria Version 2. Collection method: clinical testing. Allele origin: germline. Affected: yes. Observed: 1 variant allele.
Comment: RB1: PM2:Supporting, BP4, BP7

NM_000321.3(RB1):c.2062C>T (p.Leu688=)

Gene: RB1 (RB transcriptional corepressor 1; plus strand). Cytogenetic location: 13q14.2.
Variant type: single nucleotide variant.
Coding change: c.2062C>T on transcript NM_000321.3 (MANE Select); coding-DNA position 2062, C replaced by T.
Protein change: p.Leu688=; no amino-acid change (leucine 688 retained).
Molecular consequence: synonymous variant.
Genome position (GRCh38, 1-based): chr13:48,459,789, C>T. VCF-style: chr13-48459789-C-T. GRCh37 (hg19) VCF-style: chr13-49033925-C-T.
Other names: c.2062C>T, p.Leu688= (NM_001407165.1).
Identifiers: ClinVar variation 1711366 (VCV001711366.36), dbSNP rs2138336303, ClinGen allele CA483559034.